The following is an entry in ClinVar:

NM_000093.5(COL5A1):c.4906G>A (p.Ala1636Thr)

Genes: COL5A1 (collagen type V alpha 1 chain; plus strand), LOC101448202 (uncharacterized LOC101448202; minus strand). Cytogenetic location: 9q34.3.
Variant type: single nucleotide variant.
Coding change: c.4906G>A on transcript NM_000093.5 (MANE Select); coding-DNA position 4906, G replaced by A.
Protein change: p.Ala1636Thr; replaces alanine 1636 with threonine.
Molecular consequence: missense variant.
Genome position (GRCh38, 1-based): chr9:134,824,807, G>A. VCF-style: chr9-134824807-G-A. GRCh37 (hg19) VCF-style: chr9-137716653-G-A.
Other names: p.A1636T:GCC>ACC; c.4906G>A, p.Ala1636Thr (NM_001278074.1); short protein forms A1636T.
Identifiers: ClinVar variation 213062 (VCV000213062.40), dbSNP rs113452150, ClinGen allele CA325017.

ClinVar aggregate classification (germline): Conflicting classifications of pathogenicity. Review status: criteria provided, conflicting classifications (1 of 4 stars). 10 submissions from 10 submitters: Uncertain significance (2); Likely benign (7). 1 of the submissions does not count toward it. Last evaluated 2026-04-01.

Conditions:
Ehlers-Danlos syndrome (EDS). Identifiers: Orphanet 98249, MedGen C0013720, MONDO:0020066.
COL5A1-related disorder. Also called: COL5A1-related condition.
Ehlers-Danlos syndrome, classic type, 1 (EDSCL1). Also called: EHLERS-DANLOS SYNDROME, GRAVIS TYPE; EHLERS-DANLOS SYNDROME, SEVERE CLASSIC TYPE; Ehlers-Danlos syndrome, type 1; Ehlers-Danlos Syndrome, Classic Type, COL5A1-Related; EDS I. Identifiers: MedGen C0268335, MONDO:0019567, OMIM 130000.
Familial thoracic aortic aneurysm and aortic dissection (TAAD). Also called: Thoracic aortic aneurysms and dissections. Identifiers: Orphanet 91387, MedGen C4707243, MONDO:0019625.

Allele frequency attached by ClinVar (database versions not stated): gnomAD exomes 0.00023; 1000 Genomes Project 30x 0.00031; ExAC 0.00033; ESP Exome Variant Server 0.00038; 1000 Genomes Project 0.00040; TOPMed 0.00077; gnomAD 0.00084 and 0.00092.
gnomAD v4.1: 349 of 1,613,914 alleles (0.022%); highest among the groups gnomAD compares: African/African-American, 0.3%; 1 homozygote.

Submissions (10):

CeGaT Center for Human Genetics Tuebingen
Classification: Likely benign. Last evaluated: 2026-04-01. Review status: criteria provided, single submitter. Criteria: CeGaT Center For Human Genetics Tuebingen Variant Classification Criteria Version 2. Collection method: clinical testing. Allele origin: germline. Affected: yes. Observed: 2 variant alleles.
Comment: COL5A1: BS1

Labcorp Genetics (formerly Invitae), Labcorp
Classification: Likely benign for Ehlers-Danlos syndrome, classic type, 1. Last evaluated: 2026-01-12. Review status: criteria provided, single submitter. Criteria: Invitae Variant Classification Sherloc (09022015). Collection method: clinical testing. Allele origin: germline.

Women's Health and Genetics/Laboratory Corporation of America, LabCorp
Classification: Likely benign. Last evaluated: 2025-12-26. Review status: criteria provided, single submitter. Criteria: LabCorp Variant Classification Summary - May 2015. Collection method: clinical testing. Allele origin: germline.

Mayo Clinic Laboratories, Mayo Clinic
Classification: Likely benign. Last evaluated: 2025-10-21. Review status: criteria provided, single submitter. Criteria: ACMG Guidelines, 2015. Collection method: clinical testing. Allele origin: germline. Observed: 5 variant alleles.
Comment: BS1, BS2_supporting, PP3

Blueprint Genetics
Classification: Likely benign. Last evaluated: 2024-10-18. Review status: criteria provided, single submitter. Criteria: ACMG Guidelines, 2015. Collection method: clinical testing. Allele origin: germline.

Genome Diagnostics Laboratory, The Hospital for Sick Children
Classification: Uncertain significance for Ehlers-Danlos syndrome. Last evaluated: 2022-05-10. Review status: criteria provided, single submitter. Criteria: ACMG Guidelines, 2015. Collection method: clinical testing. Allele origin: germline.

GeneDx
Classification: Likely benign. Last evaluated: 2020-07-30. Review status: criteria provided, single submitter. Criteria: GeneDx Variant Classification Process June 2021. Collection method: clinical testing. Allele origin: germline. Affected: yes.
Comment: This variant is associated with the following publications: (PMID: 29924831)

Ambry Genetics
Classification: Likely benign for Familial thoracic aortic aneurysm and aortic dissection. Last evaluated: 2017-02-22. Review status: criteria provided, single submitter. Criteria: Ambry Variant Classification Scheme 2023. Collection method: clinical testing. Allele origin: germline.

Eurofins Ntd Llc (ga)
Classification: Uncertain significance. Last evaluated: 2016-09-02. Review status: criteria provided, single submitter. Criteria: EGL Classification Definitions 2015. Collection method: clinical testing. Allele origin: germline. Observed: 3 variant alleles, 3 heterozygotes.

PreventionGenetics, part of Exact Sciences
Classification: Likely benign for COL5A1-related condition. Last evaluated: 2021-03-31. Review status: no assertion criteria provided. Collection method: clinical testing. Allele origin: germline. Not counted in ClinVar's aggregate classification.
Comment: This variant is classified as likely benign based on ACMG/AMP sequence variant interpretation guidelines (Richards et al. 2015 PMID: 25741868, with internal and published modifications).

Literature cited by the submitters: PubMed 29924831 (cited by Mayo Clinic Laboratories, Mayo Clinic).